The following is an entry in ClinVar:

ClinVar aggregate classification (germline): Pathogenic (1 of 4 stars; one submission).

Conditions:
KBG syndrome (KBGS). Also called: ANKRD11-Related KBG Syndrome. Identifiers: Orphanet 2332, MedGen C0220687, MONDO:0007846, OMIM 148050.

Submission:

Institute of Human Genetics, University of Leipzig Medical Center
Classification: Pathogenic for KBG syndrome. Last evaluated: 2025-03-19. Review status: criteria provided, single submitter. Criteria: ACMG Guidelines, 2015. Collection method: clinical testing. Allele origin: unknown. Inheritance: Autosomal dominant inheritance. Affected: yes.
Comment: Criteria applied: PVS1,PM2

NM_013275.6(ANKRD11):c.1604del (p.Asn535fs)

Gene: ANKRD11 (ankyrin repeat domain 11; minus strand). Cytogenetic location: 16q24.3.
Variant type: Deletion.
Coding change: c.1604del on transcript NM_013275.6 (MANE Select); coding-DNA position 1604, one base deleted (A; older notation c.1604delA).
Protein change: p.Asn535fs; shifts the reading frame from asparagine 535.
Molecular consequence: frameshift variant.
Genome position (GRCh38, 1-based): chr16:89,284,938, T deleted on the plus strand (A on the coding strand, the reverse complement: ANKRD11 is on the minus strand); the first of 2 consecutive T bases (chr16:89,284,938-89,284,939); deleting either gives the same sequence. VCF-style (leftmost placement, unchanged base first): chr16-89284937-GT-G. GRCh37 (hg19) VCF-style: chr16-89351345-GT-G.
Other names: c.1604del, p.Asn535fs (NM_001256182.2, NM_001256183.2); short protein forms N535fs.
Identifiers: ClinVar variation 3778741 (VCV003778741.1).